The following is an entry in ClinVar:

NM_032131.6(ARMC2):c.155A>C (p.Gln52Pro)

Gene: ARMC2 (armadillo repeat containing 2; plus strand). Cytogenetic location: 6q21.
Variant type: single nucleotide variant.
Coding change: c.155A>C on transcript NM_032131.6 (MANE Select); coding-DNA position 155, A replaced by C.
Protein change: p.Gln52Pro; replaces glutamine 52 with proline.
Molecular consequence: missense variant. On other transcripts: 5 prime UTR variant (1).
Genome position (GRCh38, 1-based): chr6:108,854,422, A>C. VCF-style: chr6-108854422-A-C. GRCh37 (hg19) VCF-style: chr6-109175625-A-C.
Other names: c.-268A>C (NM_001286609.2); short protein forms Q52P.
Identifiers: ClinVar variation 3050582 (VCV003050582.15), dbSNP rs147935937, ClinGen allele CA3949557.

ClinVar aggregate classification (germline): Likely benign. Review status: criteria provided, single submitter (1 of 4 stars). 2 submissions from 2 submitters: Likely benign (1). 1 of the submissions does not count toward it. Last evaluated 2024-12-01.

Conditions:
ARMC2-related disorder. Also called: ARMC2-related condition.

Allele frequency attached by ClinVar (database versions not stated): 1000 Genomes Project 30x 0.00047; 1000 Genomes Project 0.00060; ESP Exome Variant Server 0.00146; TOPMed 0.00147; gnomAD 0.00156; ExAC 0.00186; gnomAD exomes 0.00201.
gnomAD v4.1: 3,211 of 1,613,620 alleles (0.2%); highest among the groups gnomAD compares: Non-Finnish European, 0.2%; 9 homozygotes.

Submissions (2):

CeGaT Center for Human Genetics Tuebingen
Classification: Likely benign. Last evaluated: 2024-12-01. Review status: criteria provided, single submitter. Criteria: CeGaT Center For Human Genetics Tuebingen Variant Classification Criteria Version 2. Collection method: clinical testing. Allele origin: germline. Affected: yes. Observed: 1 variant allele.
Comment: ARMC2: BP4

PreventionGenetics, part of Exact Sciences
Classification: Benign for ARMC2-related condition. Last evaluated: 2019-11-20. Review status: no assertion criteria provided. Collection method: clinical testing. Allele origin: germline. Not counted in ClinVar's aggregate classification.
Comment: This variant is classified as benign based on ACMG/AMP sequence variant interpretation guidelines (Richards et al. 2015 PMID: 25741868, with internal and published modifications).